The following is an entry in ClinVar:

ClinVar aggregate classification (germline): Pathogenic (1 of 4 stars; one submission).

Conditions:
Tuberous sclerosis 2 (TSC2). Identifiers: Orphanet 805, MedGen C1860707, MONDO:0013199, OMIM 613254.

Submission:

Labcorp Genetics (formerly Invitae), Labcorp
Classification: Pathogenic for Tuberous sclerosis 2. Last evaluated: 2021-12-31. Review status: criteria provided, single submitter. Criteria: Invitae Variant Classification Sherloc (09022015). Collection method: clinical testing. Allele origin: germline.
Comment: For these reasons, this variant has been classified as Pathogenic. This variant has not been reported in the literature in individuals affected with TSC2-related conditions. This variant is not present in population databases (gnomAD no frequency). This sequence change creates a premature translational stop signal (p.Arg1032Profs*17) in the TSC2 gene. It is expected to result in an absent or disrupted protein product. Loss-of-function variants in TSC2 are known to be pathogenic (PMID: 10205261, 17304050).

Literature cited by the submitters: PubMed 10205261; PubMed 17304050.

NM_000548.5(TSC2):c.3095_3107del (p.Arg1032fs)

Gene: TSC2 (TSC complex subunit 2; plus strand). Cytogenetic location: 16p13.3.
Variant type: Deletion.
Coding change: c.3095_3107del on transcript NM_000548.5 (MANE Select); coding-DNA positions 3095 to 3107, 13 bases deleted (GATACGTCTTCTC).
Protein change: p.Arg1032fs; shifts the reading frame from arginine 1032.
Molecular consequence: frameshift variant.
Genome position (GRCh38, 1-based): chr16:2,079,160-2,079,172, GATACGTCTTCTC deleted; deleting any 13 consecutive bases within chr16:2,079,157-2,079,172 gives the same sequence; the c. name uses the placement nearest the transcript's 3' end. VCF-style (leftmost placement, unchanged base first): chr16-2079156-GCTCGATACGTCTT-G. GRCh37 (hg19) VCF-style: chr16-2129157-GCTCGATACGTCTT-G.
Other names: c.2963_2975del, p.Arg988fs (NM_001077183.3, NM_001370404.1); c.3095_3107del, p.Arg1032fs (NM_001114382.3); c.2855_2867del, p.Arg952fs (NM_001318827.2); c.2819_2831del, p.Arg940fs (NM_001318829.2); c.2363_2375del, p.Arg788fs (NM_001318831.2); c.2996_3008del, p.Arg999fs (NM_001318832.2); c.2966_2978del, p.Arg989fs (NM_001363528.2, NM_001370405.1, NM_021055.3); c.3092_3104delGATACGTCTTCTC, p.Arg1031Profs (NM_001406663.1, NM_001406664.1); and 20 more; short protein forms R999fs, R940fs, R1032fs, R988fs, R788fs, R952fs, R989fs.
Identifiers: ClinVar variation 2067517 (VCV002067517.4), dbSNP rs2544034770, ClinGen allele CA2580090907.